The following is an entry in ClinVar:

ClinVar aggregate classification (germline): Uncertain significance. Review status: criteria provided, single submitter (1 of 4 stars). 2 submissions from 2 submitters: Uncertain significance (1). 1 of the submissions does not count toward it.

Conditions:
Blau syndrome (BLAUS). Also called: ARTHROCUTANEOUVEAL GRANULOMATOSIS; GRANULOMATOSIS, FAMILIAL JUVENILE SYSTEMIC; GRANULOMATOSIS, FAMILIAL, BLAU TYPE; GRANULOMATOUS INFLAMMATORY ARTHRITIS, DERMATITIS, AND UVEITIS, FAMILIAL; JABS SYNDROME. Identifiers: Orphanet 90340, MedGen C5201146, MONDO:0008523, OMIM 186580.

Allele frequency attached by ClinVar (database versions not stated): TOPMed 0.00001; gnomAD 0.00003.

Submissions (2):

Neuberg Centre For Genomic Medicine, NCGM
Classification: Uncertain significance for Blau syndrome. Review status: criteria provided, single submitter. Criteria: ACMG Guidelines, 2015. Collection method: clinical testing. Allele origin: germline. Inheritance: Autosomal dominant inheritance. Affected: yes.
Comment: The stop gained variant c.2974C>T (p.Arg992Ter) in NOD2 gene has not been reported previously as a pathogenic variant nor as a benign variant, to our knowledge. The c.2974C>T variant is reported with allele frequency of 0.002% in gnomAD exomes and novel in 1000 Genomes. The nucleotide change c.2974C>T in NOD2 is predicted as conserved by GERP++ and PhyloP across 100 vertebrates. This variant is predicted to cause loss of normal protein function. Loss of function variants have been previously reported to be disease causing. For these reasons, this variant has been classified as Uncertain Significance

Unité médicale des maladies autoinflammatoires, CHRU Montpellier
No classification provided. Condition: Sarcoidosis, early-onset. Review status: no classification provided. Collection method: not provided. Allele origin: unknown. Not counted in ClinVar's aggregate classification.
Comment: also involved in OMIM 186580 and 266600

NM_001370466.1(NOD2):c.2974C>T (p.Arg992Ter)

Genes: NOD2 (nucleotide binding oligomerization domain containing 2; plus strand), CYLD-AS1 (CYLD antisense RNA 1; minus strand). Cytogenetic location: 16q12.1.
Variant type: single nucleotide variant.
Coding change: c.2974C>T on transcript NM_001370466.1 (MANE Select); coding-DNA position 2974, C replaced by T.
Protein change: p.Arg992Ter; replaces arginine 992 with a stop codon.
Molecular consequence: nonsense. On other transcripts: non-coding transcript variant (1).
Genome position (GRCh38, 1-based): chr16:50,731,751, C>T. VCF-style: chr16-50731751-C-T. GRCh37 (hg19) VCF-style: chr16-50765662-C-T.
Other names: c.3055C>T (LRG_177t1); c.2974C>T, p.Arg992Ter (NM_001293557.2); c.3055C>T, p.Arg1019Ter (NM_022162.3); short protein forms R1019*, R992*.
Identifiers: ClinVar variation 97874 (VCV000097874.1), dbSNP rs104895491, ClinGen allele CA150324.
Genomic context (GRCh38, chr16:50,731,751, plus strand): 5'-AAGCCCTGCTCTAATTTTGTCCTCACTCAAACCTCTGTTCACTTGATCTGCTTTAGGCTC[C>T]GAGGGAACACTTTCTCTCTAGAGGAGGTTGACAAGCTCGGCTGCAGGGACACCAGACTCT-3'